The following is an entry in ClinVar:

NM_025243.4(SLC19A3):c.751A>G (p.Ser251Gly)

Gene: SLC19A3 (solute carrier family 19 member 3; minus strand). Cytogenetic location: 2q36.3.
Variant type: single nucleotide variant.
Coding change: c.751A>G on transcript NM_025243.4 (MANE Select); coding-DNA position 751, A replaced by G.
Protein change: p.Ser251Gly; replaces serine 251 with glycine.
Molecular consequence: missense variant.
Genome position (GRCh38, 1-based): chr2:227,698,964, T>C on the plus strand (A>G on the coding strand, the complement: SLC19A3 is on the minus strand). VCF-style: chr2-227698964-T-C. GRCh37 (hg19) VCF-style: chr2-228563680-T-C.
Other names: c.751A>G, p.Ser251Gly (NM_001371412.1, NM_001371411.1); c.739A>G, p.Ser247Gly (NM_001371413.1, NM_001371414.1); short protein forms S251G, S247G.
Identifiers: ClinVar variation 2178670 (VCV002178670.4), dbSNP rs376021977, ClinGen allele CA2149237.
Genomic context (GRCh38, chr2:227,698,964, plus strand): 5'-CCTTCAAATCTTGGAACCACTGCACAAAAACGTCCACAGTCACATTGCTTGGTTTCAGGC[T>C]GTTCAGCTGGCCCTTATTCAGCTTCCCTGAAGTGCTGAGTATTTCTGATGTGGGTTTCTG-3'
Protein context (NP_079519.1, residues 241-261): SGKLNKGQLN[Ser251Gly]LKPSNVTVDV

ClinVar aggregate classification (germline): Uncertain significance (1 of 4 stars; one submission).

Conditions:
Biotin-responsive basal ganglia disease (BTBGD). Also called: Thiamine metabolism dysfunction syndrome type 2; THIAMINE METABOLISM DYSFUNCTION SYNDROME 2 (BIOTIN- AND THIAMINE-RESPONSIVE TYPE); Thiamine metabolism dysfunction syndrome 2 (biotin- or thiamine-responsive encephalopathy type 2); thiamine-responsive encephalopathy; Thiamine Transporter-2 Deficiency. Identifiers: Orphanet 199348, Orphanet 65284, MedGen C1843807, MONDO:0011841, OMIM 607483.

Allele frequency attached by ClinVar (database versions not stated): ExAC 0.00001; gnomAD 0.00001; gnomAD exomes 0.00001; TOPMed 0.00001; ESP Exome Variant Server 0.00008.
gnomAD v4.1: 10 of 1,614,106 alleles (0.00062%); highest among the groups gnomAD compares: African/African-American, 0.0013%; no homozygotes.

Submission:

Labcorp Genetics (formerly Invitae), Labcorp
Classification: Uncertain significance for Biotin-responsive basal ganglia disease. Last evaluated: 2022-09-01. Review status: criteria provided, single submitter. Criteria: Invitae Variant Classification Sherloc (09022015). Collection method: clinical testing. Allele origin: germline.
Comment: This sequence change replaces serine, which is neutral and polar, with glycine, which is neutral and non-polar, at codon 251 of the SLC19A3 protein (p.Ser251Gly). This variant is present in population databases (rs376021977, gnomAD 0.0009%). This variant has not been reported in the literature in individuals affected with SLC19A3-related conditions. Advanced modeling of protein sequence and biophysical properties (such as structural, functional, and spatial information, amino acid conservation, physicochemical variation, residue mobility, and thermodynamic stability) performed at Invitae indicates that this missense variant is not expected to disrupt SLC19A3 protein function. In summary, the available evidence is currently insufficient to determine the role of this variant in disease. Therefore, it has been classified as a Variant of Uncertain Significance.